The following is an entry in ClinVar:

NM_001081.4(CUBN):c.6276C>T (p.Cys2092=)

Gene: CUBN (cubilin; minus strand). Cytogenetic location: 10p13.
Variant type: single nucleotide variant.
Coding change: c.6276C>T on transcript NM_001081.4 (MANE Select); coding-DNA position 6276, C replaced by T.
Protein change: p.Cys2092=; no amino-acid change (cysteine 2092 retained).
Molecular consequence: synonymous variant.
Genome position (GRCh38, 1-based): chr10:16,925,770, G>A on the plus strand (C>T on the coding strand, the complement: CUBN is on the minus strand). VCF-style: chr10-16925770-G-A. GRCh37 (hg19) VCF-style: chr10-16967769-G-A.
Other names: p.Cys2092=.
Identifiers: ClinVar variation 299441 (VCV000299441.54), dbSNP rs146319349, ClinGen allele CA5423724.

ClinVar aggregate classification (germline): Benign/Likely benign. Review status: criteria provided, multiple submitters, no conflicts (2 of 4 stars). 6 submissions from 6 submitters: Benign (1); Likely benign (4). 1 of the submissions does not count toward it. Last evaluated 2026-01-24.

Conditions:
CUBN-related disorder. Also called: CUBN-related condition.
Imerslund-Grasbeck syndrome type 1 (IGS1). Also called: MEGALOBLASTIC ANEMIA, 1; Imerslund-Gräsbeck syndrome 1; Megaloblastic anemia 1, Finnish type. Identifiers: MedGen C4016819, MONDO:0100156, OMIM 261100.
Imerslund-Grasbeck syndrome. Also called: Megaloblastic anemia due to inborn errors of metabolism; Imerslund-Gräsbeck syndrome; ENTEROCYTE COBALAMIN MALABSORPTION; ENTEROCYTE INTRINSIC FACTOR RECEPTOR, DEFECT OF; PERNICIOUS ANEMIA, JUVENILE, DUE TO SELECTIVE INTESTINAL MALABSORPTION OF VITAMIN B12, WITH PROTEINURIA. Identifiers: Orphanet 35858, MedGen C4551825, MONDO:0009853.

Allele frequency attached by ClinVar (database versions not stated): ESP Exome Variant Server 0.00323; gnomAD exomes 0.00326; 1000 Genomes Project 0.00359; 1000 Genomes Project 30x 0.00406.
gnomAD v4.1: 5,179 of 1,613,586 alleles (0.32%); highest among the groups gnomAD compares: Admixed American, 0.52%; 12 homozygotes.

Submissions (6):

Labcorp Genetics (formerly Invitae), Labcorp
Classification: Benign for Imerslund-Grasbeck syndrome. Last evaluated: 2026-01-24. Review status: criteria provided, single submitter. Criteria: Invitae Variant Classification Sherloc (09022015). Collection method: clinical testing. Allele origin: germline.

Mayo Clinic Laboratories, Mayo Clinic
Classification: Likely benign. Last evaluated: 2025-08-28. Review status: criteria provided, single submitter. Criteria: ACMG Guidelines, 2015. Collection method: clinical testing. Allele origin: germline. Observed: 1 variant allele.
Comment: BS1, BP4, BP7

CeGaT Center for Human Genetics Tuebingen
Classification: Likely benign. Last evaluated: 2025-07-01. Review status: criteria provided, single submitter. Criteria: CeGaT Center For Human Genetics Tuebingen Variant Classification Criteria Version 2. Collection method: clinical testing. Allele origin: germline. Affected: yes. Observed: 3 variant alleles.
Comment: CUBN: BP4, BP7

Illumina Laboratory Services, Illumina
Classification: Likely benign for Imerslund-Grasbeck syndrome type 1. Last evaluated: 2018-01-12. Review status: criteria provided, single submitter. Criteria: ICSL Variant Classification Criteria 13 December 2019. Collection method: clinical testing. Allele origin: germline.
Comment: This variant was observed in the ICSL laboratory as part of a predisposition screen in an ostensibly healthy population. It had not been previously curated by ICSL or reported in the Human Gene Mutation Database (HGMD: prior to June 1st, 2018), and was therefore a candidate for classification through an automated scoring system. Utilizing variant allele frequency, disease prevalence and penetrance estimates, and inheritance mode, an automated score was calculated to assess if this variant is too frequent to cause the disease. Based on the score and internal cut-off values, a variant classified as likely benign is not then subjected to further curation. The score for this variant resulted in a classification of likely benign for this disease.

Breakthrough Genomics
Classification: Likely benign. Review status: criteria provided, single submitter. Criteria: ACMG Guidelines, 2015. Collection method: not provided. Allele origin: germline. Inheritance: Autosomal recessive inheritance. Affected: yes.

PreventionGenetics, part of Exact Sciences
Classification: Likely benign for CUBN-related condition. Last evaluated: 2019-05-03. Review status: no assertion criteria provided. Collection method: clinical testing. Allele origin: germline. Not counted in ClinVar's aggregate classification.
Comment: This variant is classified as likely benign based on ACMG/AMP sequence variant interpretation guidelines (Richards et al. 2015 PMID: 25741868, with internal and published modifications).